The following is an entry in ClinVar:

ClinVar aggregate classification (germline): Conflicting classifications of pathogenicity. Review status: criteria provided, conflicting classifications (1 of 4 stars). 2 submissions from 2 submitters: Uncertain significance (1); Likely benign (1). Last evaluated 2025-10-25.

Conditions:
Inborn genetic diseases. Identifiers: MedGen C0950123, MeSH D030342.
Baller-Gerold syndrome (BGS). Also called: CRANIOSYNOSTOSIS WITH RADIAL DEFECTS. Identifiers: Orphanet 1225, MedGen C0265308, MONDO:0009039, OMIM 218600.

Allele frequency attached by ClinVar (database versions not stated): gnomAD exomes 0.00001; TOPMed 0.00001; ExAC 0.00003; gnomAD 0.00003; ESP Exome Variant Server 0.00008.
gnomAD v4.1: 7 of 1,567,882 alleles (0.00045%); highest among the groups gnomAD compares: African/African-American, 0.0055%; no homozygotes.

Submissions (2):

Ambry Genetics
Classification: Likely benign for Inborn genetic diseases. Last evaluated: 2025-10-25. Review status: criteria provided, single submitter. Criteria: Ambry Variant Classification Scheme 2023. Collection method: clinical testing. Allele origin: germline.

Labcorp Genetics (formerly Invitae), Labcorp
Classification: Uncertain significance for Baller-Gerold syndrome. Last evaluated: 2023-10-22. Review status: criteria provided, single submitter. Criteria: Invitae Variant Classification Sherloc (09022015). Collection method: clinical testing. Allele origin: germline.
Comment: This sequence change replaces isoleucine, which is neutral and non-polar, with valine, which is neutral and non-polar, at codon 705 of the RECQL4 protein (p.Ile705Val). This variant is present in population databases (rs374262706, gnomAD 0.01%). This variant has not been reported in the literature in individuals affected with RECQL4-related conditions. ClinVar contains an entry for this variant (Variation ID: 459377). Advanced modeling of protein sequence and biophysical properties (such as structural, functional, and spatial information, amino acid conservation, physicochemical variation, residue mobility, and thermodynamic stability) performed at Invitae indicates that this missense variant is not expected to disrupt RECQL4 protein function. In summary, the available evidence is currently insufficient to determine the role of this variant in disease. Therefore, it has been classified as a Variant of Uncertain Significance.

NM_004260.4(RECQL4):c.2113A>G (p.Ile705Val)

Gene: RECQL4 (RecQ like helicase 4; minus strand). Cytogenetic location: 8q24.3.
Variant type: single nucleotide variant.
Coding change: c.2113A>G on transcript NM_004260.4 (MANE Select); coding-DNA position 2113, A replaced by G.
Protein change: p.Ile705Val; replaces isoleucine 705 with valine.
Molecular consequence: missense variant.
Genome position (GRCh38, 1-based): chr8:144,513,658, T>C on the plus strand (A>G on the coding strand, the complement: RECQL4 is on the minus strand). VCF-style: chr8-144513658-T-C. GRCh37 (hg19) VCF-style: chr8-145739042-T-C.
Other names: short protein forms I705V.
Identifiers: ClinVar variation 459377 (VCV000459377.10), dbSNP rs374262706, ClinGen allele CA4948467.
Genomic context (GRCh38, chr8:144,513,658, plus strand): 5'-GCAGGCAGGTTCGGAGGAGCGCAGCGATCCGCTCTGTGTCCTCGCGCCGGTTGCAGTAAA[T>C]GATAATGGAATCGAGGTTTTGAAAACGTTTGCCTTGCAGCAGCGTCAACAGTGCCTGATG-3'
Protein context (NP_004251.4, residues 695-715): KRFQNLDSII[Ile705Val]YCNRREDTER